The following is an entry in ClinVar:

NM_001127222.2(CACNA1A):c.4765del (p.Ala1589fs)

Gene: CACNA1A (calcium voltage-gated channel subunit alpha1 A; minus strand). Cytogenetic location: 19p13.13.
Variant type: Deletion.
Coding change: c.4765del on transcript NM_001127222.2 (MANE Select); coding-DNA position 4765, one base deleted (G; older notation c.4765delG).
Protein change: p.Ala1589fs; shifts the reading frame from alanine 1589.
Molecular consequence: frameshift variant.
Genome position (GRCh38, 1-based): chr19:13,253,092, C deleted on the plus strand (G on the coding strand, the reverse complement: CACNA1A is on the minus strand); the first of 4 consecutive C bases (chr19:13,253,092-13,253,095); deleting any one gives the same sequence. VCF-style (leftmost placement, unchanged base first): chr19-13253091-GC-G. GRCh37 (hg19) VCF-style: chr19-13363905-GC-G.
Other names: c.4777del, p.Ala1593fs (NM_000068.4, NM_023035.3); c.4768del, p.Ala1590fs (NM_001127221.2, NM_001174080.2); short protein forms A1589fs, A1590fs, A1593fs.
Identifiers: ClinVar variation 1335330 (VCV001335330.35), dbSNP rs2144726274, ClinGen allele CA2573054728.

ClinVar aggregate classification (germline): Pathogenic (1 of 4 stars; one submission).

Submission:

CeGaT Center for Human Genetics Tuebingen
Classification: Pathogenic. Last evaluated: 2022-06-01. Review status: criteria provided, single submitter. Criteria: CeGaT Center For Human Genetics Tuebingen Variant Classification Criteria Version 2. Collection method: clinical testing. Allele origin: germline. Affected: yes. Observed: 1 variant allele.
Comment: CACNA1A: PVS1, PM2